The following is an entry in ClinVar:

NM_177924.5(ASAH1):c.677G>A (p.Arg226His)

Gene: ASAH1 (N-acylsphingosine amidohydrolase 1; minus strand). Cytogenetic location: 8p22.
Variant type: single nucleotide variant.
Coding change: c.677G>A on transcript NM_177924.5 (MANE Select); coding-DNA position 677, G replaced by A.
Protein change: p.Arg226His; replaces arginine 226 with histidine.
Molecular consequence: missense variant.
Genome position (GRCh38, 1-based): chr8:18,061,712, C>T on the plus strand (G>A on the coding strand, the complement: ASAH1 is on the minus strand). VCF-style: chr8-18061712-C-T. GRCh37 (hg19) VCF-style: chr8-17919221-C-T.
Other names: c.659G>A, p.Arg220His (NM_001127505.3); c.482G>A, p.Arg161His (NM_001363743.2); c.725G>A, p.Arg242His (NM_004315.6); c.677G>A (NM_177924.3); short protein forms R220H, R161H, R242H, R226H.
Identifiers: ClinVar variation 1364495 (VCV001364495.6), dbSNP rs377749094, ClinGen allele CA4650728.
Genomic context (GRCh38, chr8:18,061,712, plus strand): 5'-AGATTCCCATTTCACTTGAGAATGCTCTACTTACCCAGATAACCACCATTTATACTGAAA[C>T]GTTCATTCAGTGTAAGACTGAACAGTCCCTGAGAAAAAGACAAAGCAACGAAGTCAGAAA-3'
Protein context (NP_808592.2, residues 216-236): PGLFSLTLNE[Arg226His]FSINGGYLGI

ClinVar aggregate classification (germline): Uncertain significance. Review status: criteria provided, multiple submitters, no conflicts (2 of 4 stars). 3 submissions from 3 submitters: Uncertain significance (3). Last evaluated 2025-02-12.

Allele frequency attached by ClinVar (database versions not stated): ExAC 0.00003; ESP Exome Variant Server 0.00008.
gnomAD v4.1: 58 of 1,584,222 alleles (0.0037%); highest among the groups gnomAD compares: Middle Eastern, 0.017%; no homozygotes.

Submissions (3):

GeneDx
Classification: Uncertain significance. Last evaluated: 2025-02-12. Review status: criteria provided, single submitter. Criteria: GeneDx Variant Classification Process June 2021. Collection method: clinical testing. Allele origin: germline. Affected: yes.
Comment: Not observed at significant frequency in large population cohorts (gnomAD); In silico analysis supports that this missense variant has a deleterious effect on protein structure/function; Has not been previously published as pathogenic or benign to our knowledge

Labcorp Genetics (formerly Invitae), Labcorp
Classification: Uncertain significance. Last evaluated: 2022-07-19. Review status: criteria provided, single submitter. Criteria: Invitae Variant Classification Sherloc (09022015). Collection method: clinical testing. Allele origin: germline.
Comment: This sequence change replaces arginine, which is basic and polar, with histidine, which is basic and polar, at codon 226 of the ASAH1 protein (p.Arg226His). The frequency data for this variant in the population databases is considered unreliable, as metrics indicate poor data quality at this position in the gnomAD database. This variant has not been reported in the literature in individuals affected with ASAH1-related conditions. ClinVar contains an entry for this variant (Variation ID: 1364495). Algorithms developed to predict the effect of missense changes on protein structure and function are either unavailable or do not agree on the potential impact of this missense change (SIFT: "Deleterious"; PolyPhen-2: "Possibly Damaging"; Align-GVGD: "Class C0"). In summary, the available evidence is currently insufficient to determine the role of this variant in disease. Therefore, it has been classified as a Variant of Uncertain Significance.

Revvity Omics, Revvity
Classification: Uncertain significance. Last evaluated: 2022-02-27. Review status: criteria provided, single submitter. Criteria: ACMG Guidelines, 2015. Collection method: clinical testing. Allele origin: germline.